The following is an entry in ClinVar:

NM_002427.4(MMP13):c.746A>C (p.Lys249Thr)

Gene: MMP13 (matrix metallopeptidase 13; minus strand). Cytogenetic location: 11q22.2.
Variant type: single nucleotide variant.
Coding change: c.746A>C on transcript NM_002427.4 (MANE Select); coding-DNA position 746, A replaced by C.
Protein change: p.Lys249Thr; replaces lysine 249 with threonine.
Molecular consequence: missense variant.
Genome position (GRCh38, 1-based): chr11:102,952,065, T>G on the plus strand (A>C on the coding strand, the complement: MMP13 is on the minus strand). VCF-style: chr11-102952065-T-G. GRCh37 (hg19) VCF-style: chr11-102822794-T-G.
Other names: short protein forms K249T.
Identifiers: ClinVar variation 4736848 (VCV004736848.1).

ClinVar aggregate classification (germline): Uncertain significance (1 of 4 stars; one submission).

Submission:

Labcorp Genetics (formerly Invitae), Labcorp
Classification: Uncertain significance. Last evaluated: 2026-01-11. Review status: criteria provided, single submitter. Criteria: Invitae Variant Classification Sherloc (09022015). Collection method: clinical testing. Allele origin: germline.
Comment: This sequence change replaces lysine, which is basic and polar, with threonine, which is neutral and polar, at codon 249 of the MMP13 protein (p.Lys249Thr). This variant is not present in population databases (gnomAD no frequency). This variant has not been reported in the literature in individuals affected with MMP13-related conditions. Invitae Evidence Modeling of protein sequence and biophysical properties (such as structural, functional, and spatial information, amino acid conservation, physicochemical variation, residue mobility, and thermodynamic stability) indicates that this missense variant is not expected to disrupt MMP13 protein function with a negative predictive value of 80%. In summary, the available evidence is currently insufficient to determine the role of this variant in disease. Therefore, it has been classified as a Variant of Uncertain Significance.